The following is an entry in ClinVar:

ClinVar aggregate classification (germline): Uncertain significance. Review status: criteria provided, multiple submitters, no conflicts (2 of 4 stars). 2 submissions from 2 submitters: Uncertain significance (2). Last evaluated 2024-01-31.

Conditions:
Hereditary cancer-predisposing syndrome. Also called: Neoplastic Syndromes, Hereditary; Tumor predisposition; Hereditary Cancer Syndrome; Hereditary neoplastic syndrome. Identifiers: Orphanet 140162, MedGen C0027672, MeSH D009386, MONDO:0015356.

Submissions (2):

Ambry Genetics
Classification: Uncertain significance for Hereditary cancer-predisposing syndrome. Last evaluated: 2024-01-31. Review status: criteria provided, single submitter. Criteria: Ambry Variant Classification Scheme 2023. Collection method: clinical testing. Allele origin: germline.
Comment: The p.T2116I variant (also known as c.6347C>T), located in coding exon 46 of the POLE gene, results from a C to T substitution at nucleotide position 6347. The threonine at codon 2116 is replaced by isoleucine, an amino acid with similar properties. This amino acid position is conserved. In addition, this alteration is predicted to be tolerated by in silico analysis. Based on the available evidence, the clinical significance of this alteration remains unclear.

Labcorp Genetics (formerly Invitae), Labcorp
Classification: Uncertain significance. Last evaluated: 2022-12-28. Review status: criteria provided, single submitter. Criteria: Invitae Variant Classification Sherloc (09022015). Collection method: clinical testing. Allele origin: germline.
Comment: Advanced modeling of protein sequence and biophysical properties (such as structural, functional, and spatial information, amino acid conservation, physicochemical variation, residue mobility, and thermodynamic stability) performed at Invitae indicates that this missense variant is not expected to disrupt POLE protein function. This sequence change replaces threonine, which is neutral and polar, with isoleucine, which is neutral and non-polar, at codon 2116 of the POLE protein (p.Thr2116Ile). This variant is not present in population databases (gnomAD no frequency). This variant has not been reported in the literature in individuals affected with POLE-related conditions. ClinVar contains an entry for this variant (Variation ID: 1025670). In summary, the available evidence is currently insufficient to determine the role of this variant in disease. Therefore, it has been classified as a Variant of Uncertain Significance.

NM_006231.4(POLE):c.6347C>T (p.Thr2116Ile)

Gene: POLE (DNA polymerase epsilon, catalytic subunit; minus strand). Cytogenetic location: 12q24.33.
Variant type: single nucleotide variant.
Coding change: c.6347C>T on transcript NM_006231.4 (MANE Select); coding-DNA position 6347, C replaced by T.
Protein change: p.Thr2116Ile; replaces threonine 2116 with isoleucine.
Molecular consequence: missense variant.
Genome position (GRCh38, 1-based): chr12:132,626,301, G>A on the plus strand (C>T on the coding strand, the complement: POLE is on the minus strand). VCF-style: chr12-132626301-G-A. GRCh37 (hg19) VCF-style: chr12-133202887-G-A.
Other names: c.6347C>T (NM_006231.2); short protein forms T2116I.
Identifiers: ClinVar variation 1025670 (VCV001025670.11), dbSNP rs2041838815, ClinGen allele CA387367873.